The following is an entry in ClinVar:

NM_002857.4(PEX19):c.9del (p.Ala4fs)

Gene: PEX19 (peroxisomal biogenesis factor 19; minus strand). Cytogenetic location: 1q23.2.
Variant type: Deletion.
Coding change: c.9del on transcript NM_002857.4 (MANE Select); coding-DNA position 9, one base deleted (C; older notation c.9delC).
Protein change: p.Ala4fs; shifts the reading frame from alanine 4.
Molecular consequence: frameshift variant. On other transcripts: non-coding transcript variant (2).
Genome position (GRCh38, 1-based): chr1:160,285,116, G deleted on the plus strand (C on the coding strand, the reverse complement: PEX19 is on the minus strand); the first of 2 consecutive G bases (chr1:160,285,116-160,285,117); deleting either gives the same sequence. VCF-style (leftmost placement, unchanged base first): chr1-160285115-CG-C. GRCh37 (hg19) VCF-style: chr1-160254905-CG-C.
Other names: c.9del, p.Ala4fs (NM_001193644.1); short protein forms A4fs.
Identifiers: ClinVar variation 2011554 (VCV002011554.4), dbSNP rs2525325369, ClinGen allele CA2580061282.

ClinVar aggregate classification (germline): Pathogenic (1 of 4 stars; one submission).

Conditions:
Peroxisome biogenesis disorder 12A (Zellweger). Also called: Peroxisome biogenesis disorder 12A. Identifiers: Orphanet 912, MedGen C3554002, MONDO:0013951, OMIM 614886.

Submission:

Labcorp Genetics (formerly Invitae), Labcorp
Classification: Pathogenic for Peroxisome biogenesis disorder 12A (Zellweger). Last evaluated: 2022-06-27. Review status: criteria provided, single submitter. Criteria: Invitae Variant Classification Sherloc (09022015). Collection method: clinical testing. Allele origin: germline.
Comment: For these reasons, this variant has been classified as Pathogenic. This variant has not been reported in the literature in individuals affected with PEX19-related conditions. This variant is not present in population databases (gnomAD no frequency). This sequence change creates a premature translational stop signal (p.Ala4Leufs*88) in the PEX19 gene. It is expected to result in an absent or disrupted protein product. Loss-of-function variants in PEX19 are known to be pathogenic (PMID: 10051604, 20683989, 21031596).

Literature cited by the submitters: PubMed 10051604; PubMed 20683989; PubMed 21031596.